The following is an entry in ClinVar:

ClinVar aggregate classification (germline): Likely benign. Review status: criteria provided, multiple submitters, no conflicts (2 of 4 stars). 4 submissions from 4 submitters: Likely benign (4). Last evaluated 2024-05-26.

Conditions:
Cardiovascular phenotype. Identifiers: MedGen CN230736.
Hypertrophic cardiomyopathy. Also called: HYPERTROPHIC MYOCARDIOPATHY. Identifiers: Orphanet 217569, MedGen C0007194, MeSH D002312, MONDO:0005045, HP:0001639.
Cardiomyopathy (CMYO). Also called: Cardiomyopathies. Identifiers: Orphanet 167848, MedGen C0878544, MONDO:0004994, HP:0001638. Inheritance: Various modes of inheritance.

Allele frequency attached by ClinVar (database versions not stated): TOPMed 0.00001.
gnomAD v4.1: 2 of 1,614,188 alleles (0.00012%); highest among the groups gnomAD compares: Non-Finnish European, 0.00017%; no homozygotes.

Submissions (4):

Labcorp Genetics (formerly Invitae), Labcorp
Classification: Likely benign for Hypertrophic cardiomyopathy. Last evaluated: 2024-05-26. Review status: criteria provided, single submitter. Criteria: Invitae Variant Classification Sherloc (09022015). Collection method: clinical testing. Allele origin: germline.

All of Us Research Program, National Institutes of Health
Classification: Likely benign for Cardiomyopathy. Last evaluated: 2023-11-20. Review status: criteria provided, single submitter. Criteria: ACMG Guidelines, 2015. Collection method: clinical testing. Allele origin: germline. Inheritance: Autosomal dominant inheritance. Observed: 3 variant alleles, 3 heterozygotes.
Comment: This study involves interpretation of variants in research participants for the purpose of population health screening. Participant phenotype was not available at the time of variant classification. Additional details can be found in publication PMID: 35346344, PMCID: PMC8962531

Ambry Genetics
Classification: Likely benign for Cardiovascular phenotype. Last evaluated: 2023-09-18. Review status: criteria provided, single submitter. Criteria: Ambry Variant Classification Scheme 2023. Collection method: clinical testing. Allele origin: germline.

Color Diagnostics, LLC DBA Color Health
Classification: Likely benign for Cardiomyopathy. Last evaluated: 2019-06-01. Review status: criteria provided, single submitter. Criteria: ACMG Guidelines, 2015. Collection method: clinical testing. Allele origin: germline.

NM_000257.4(MYH7):c.3861G>A (p.Leu1287=)

Gene: MYH7 (myosin heavy chain 7; minus strand). Cytogenetic location: 14q11.2.
Variant type: single nucleotide variant.
Coding change: c.3861G>A on transcript NM_000257.4 (MANE Select); coding-DNA position 3861, G replaced by A.
Protein change: p.Leu1287=; no amino-acid change (leucine 1287 retained).
Molecular consequence: synonymous variant.
Genome position (GRCh38, 1-based): chr14:23,419,288, C>T on the plus strand (G>A on the coding strand, the complement: MYH7 is on the minus strand). VCF-style: chr14-23419288-C-T. GRCh37 (hg19) VCF-style: chr14-23888497-C-T.
Identifiers: ClinVar variation 920800 (VCV000920800.11), dbSNP rs150292548, ClinGen allele CA485620208.
Genomic context (GRCh38, chr14:23,419,288, plus strand): 5'-GGTGAGCTTGCCTCGGGTCAGCTGGGAGATCAGTGCCTCCTTCTCATCCAGCTGCCGGGA[C>T]AGCTCACCTGGGGAAGCACCATTCTAGATCAGCACTCCTCTCTATCCCCACCTCCTCCTC-3'
Protein context (NP_000248.2, residues 1277-1297): RAKLQTENGE[Leu1287=]SRQLDEKEAL